The following is an entry in ClinVar:

NM_021102.4(SPINT2):c.697C>T (p.Arg233Cys)

Gene: SPINT2 (serine peptidase inhibitor, Kunitz type 2; plus strand). Cytogenetic location: 19q13.2.
Variant type: single nucleotide variant.
Coding change: c.697C>T on transcript NM_021102.4 (MANE Select); coding-DNA position 697, C replaced by T.
Protein change: p.Arg233Cys; replaces arginine 233 with cysteine.
Molecular consequence: missense variant.
Genome position (GRCh38, 1-based): chr19:38,291,944, C>T. VCF-style: chr19-38291944-C-T. GRCh37 (hg19) VCF-style: chr19-38782584-C-T.
Other names: c.526C>T, p.Arg176Cys (NM_001166103.2); c.697C>T (NM_021102.3); short protein forms R233C, R176C.
Identifiers: ClinVar variation 1463054 (VCV001463054.5), dbSNP rs142877026, ClinGen allele CA9411598.
Genomic context (GRCh38, chr19:38,291,944, plus strand): 5'-CTGGGAGCCTCCATGGTCTACCTGATCCGGGTGGCACGGAGGAACCAGGAGCGTGCCCTG[C>T]GCACCGTCTGGAGCTCCGGAGATGACAAGGAGCAGCTGGTGAAGAACACATATGTCCTGT-3'
Protein context (NP_066925.1, residues 223-243): VARRNQERAL[Arg233Cys]TVWSSGDDKE

ClinVar aggregate classification (germline): Uncertain significance. Review status: criteria provided, multiple submitters, no conflicts (2 of 4 stars). 3 submissions from 3 submitters: Uncertain significance (3). Last evaluated 2024-03-08.

Conditions:
Inborn genetic diseases. Identifiers: MedGen C0950123, MeSH D030342.

Allele frequency attached by ClinVar (database versions not stated): gnomAD exomes 0.00013; ExAC 0.00017; 1000 Genomes Project 0.00020; 1000 Genomes Project 30x 0.00031; ESP Exome Variant Server 0.00054.
gnomAD v4.1: 220 of 1,614,078 alleles (0.014%); highest among the groups gnomAD compares: African/African-American, 0.095%; no homozygotes.

Submissions (3):

Ambry Genetics
Classification: Uncertain significance for Inborn genetic diseases. Last evaluated: 2024-03-08. Review status: criteria provided, single submitter. Criteria: Ambry Variant Classification Scheme 2023. Collection method: clinical testing. Allele origin: germline.

Labcorp Genetics (formerly Invitae), Labcorp
Classification: Uncertain significance. Last evaluated: 2022-10-25. Review status: criteria provided, single submitter. Criteria: Invitae Variant Classification Sherloc (09022015). Collection method: clinical testing. Allele origin: germline.
Comment: This sequence change replaces arginine, which is basic and polar, with cysteine, which is neutral and slightly polar, at codon 233 of the SPINT2 protein (p.Arg233Cys). This variant is present in population databases (rs142877026, gnomAD 0.1%). This variant has not been reported in the literature in individuals affected with SPINT2-related conditions. ClinVar contains an entry for this variant (Variation ID: 1463054). Advanced modeling of protein sequence and biophysical properties (such as structural, functional, and spatial information, amino acid conservation, physicochemical variation, residue mobility, and thermodynamic stability) has been performed at Invitae for this missense variant, however the output from this modeling did not meet the statistical confidence thresholds required to predict the impact of this variant on SPINT2 protein function. In summary, the available evidence is currently insufficient to determine the role of this variant in disease. Therefore, it has been classified as a Variant of Uncertain Significance.

Breakthrough Genomics
Classification: Uncertain significance. Review status: criteria provided, single submitter. Criteria: ACMG Guidelines, 2015. Collection method: not provided. Allele origin: germline. Inheritance: Autosomal dominant inheritance. Affected: yes.